The following is an entry in ClinVar:

ClinVar aggregate classification (germline): Uncertain significance (1 of 4 stars; one submission).

Conditions:
Combined immunodeficiency due to STIM1 deficiency. Also called: STIM1 DEFICIENCY; IMMUNODEFICIENCY 10. Identifiers: Orphanet 169090, Orphanet 317430, MedGen C2748557, MONDO:0013008, OMIM 612783.
Myopathy with tubular aggregates (TAM). Also called: Tubular Aggregate Myopathy. Identifiers: Orphanet 2593, MedGen C0410207, MONDO:0008051.
Stormorken syndrome (STRMK). Also called: THROMBOCYTOPATHY, ASPLENIA, AND MIOSIS. Identifiers: Orphanet 3204, MedGen C1861451, MONDO:0008497, OMIM 185070.

Allele frequency attached by ClinVar (database versions not stated): gnomAD exomes below 0.00001; TOPMed 0.00001; gnomAD 0.00002.

Submission:

Labcorp Genetics (formerly Invitae), Labcorp
Classification: Uncertain significance for Myopathy with tubular aggregates; Combined immunodeficiency due to STIM1 deficiency; Stormorken syndrome. Last evaluated: 2025-12-11. Review status: criteria provided, single submitter. Criteria: Invitae Variant Classification Sherloc (09022015). Collection method: clinical testing. Allele origin: germline.
Comment: This sequence change replaces serine, which is neutral and polar, with asparagine, which is neutral and polar, at codon 106 of the STIM1 protein (p.Ser106Asn). This variant is present in population databases (no rsID available, gnomAD 0.003%). This variant has not been reported in the literature in individuals affected with STIM1-related conditions. ClinVar contains an entry for this variant (Variation ID: 2197664). Invitae Evidence Modeling of protein sequence and biophysical properties (such as structural, functional, and spatial information, amino acid conservation, physicochemical variation, residue mobility, and thermodynamic stability) indicates that this missense variant is not expected to disrupt STIM1 protein function with a negative predictive value of 95%. In summary, the available evidence is currently insufficient to determine the role of this variant in disease. Therefore, it has been classified as a Variant of Uncertain Significance.

NM_001382567.1(STIM1):c.317G>A (p.Ser106Asn)

Gene: STIM1 (stromal interaction molecule 1; plus strand). Cytogenetic location: 11p15.4.
Variant type: single nucleotide variant.
Coding change: c.317G>A on transcript NM_001382567.1 (MANE Select); coding-DNA position 317, G replaced by A.
Protein change: p.Ser106Asn; replaces serine 106 with asparagine.
Molecular consequence: missense variant. On other transcripts: 5 prime UTR variant (3), non-coding transcript variant (3).
Genome position (GRCh38, 1-based): chr11:4,023,919, G>A. VCF-style: chr11-4023919-G-A. GRCh37 (hg19) VCF-style: chr11-4045149-G-A.
Other names: c.317G>A, p.Ser106Asn (NM_001277961.3, NM_001277962.2, NM_001382568.1 and 3 more transcripts); c.95G>A, p.Ser32Asn (NM_001382566.1, NM_001382573.1, NM_001382574.1 and 5 more transcripts); c.182G>A, p.Ser61Asn (NM_001382569.1); c.-52G>A (NM_001382571.1); c.-173G>A (NM_001382580.1, NM_001382581.1); short protein forms S32N, S61N, S106N.
Identifiers: ClinVar variation 2197664 (VCV002197664.4), dbSNP rs1334756437, ClinGen allele CA379485261.